The following is an entry in ClinVar:

ClinVar aggregate classification (germline): Uncertain significance. Review status: criteria provided, multiple submitters, no conflicts (2 of 4 stars). 2 submissions from 2 submitters: Uncertain significance (2). Last evaluated 2025-12-11.

gnomAD v4.1: 4 of 1,141,106 alleles (0.00035%); highest among the groups gnomAD compares: South Asian, 0.0084%; no homozygotes.

Submissions (2):

Ambry Genetics
Classification: Uncertain significance. Last evaluated: 2025-12-11. Review status: criteria provided, single submitter. Criteria: Ambry Variant Classification Scheme 2023. Collection method: clinical testing. Allele origin: germline.

Labcorp Genetics (formerly Invitae), Labcorp
Classification: Uncertain significance. Last evaluated: 2023-12-06. Review status: criteria provided, single submitter. Criteria: Invitae Variant Classification Sherloc (09022015). Collection method: clinical testing. Allele origin: germline.
Comment: This sequence change replaces arginine, which is basic and polar, with leucine, which is neutral and non-polar, at codon 1425 of the MAGI2 protein (p.Arg1425Leu). The frequency data for this variant in the population databases is considered unreliable, as metrics indicate insufficient coverage at this position in the gnomAD database. This variant has not been reported in the literature in individuals affected with MAGI2-related conditions. ClinVar contains an entry for this variant (Variation ID: 1468623). Experimental studies and prediction algorithms are not available or were not evaluated, and the functional significance of this variant is currently unknown. In summary, the available evidence is currently insufficient to determine the role of this variant in disease. Therefore, it has been classified as a Variant of Uncertain Significance.

NM_012301.4(MAGI2):c.4274G>T (p.Arg1425Leu)

Gene: MAGI2 (membrane associated guanylate kinase, WW and PDZ domain containing 2; minus strand). Cytogenetic location: 7q21.11.
Variant type: single nucleotide variant.
Coding change: c.4274G>T on transcript NM_012301.4 (MANE Select); coding-DNA position 4274, G replaced by T.
Protein change: p.Arg1425Leu; replaces arginine 1425 with leucine.
Molecular consequence: missense variant.
Genome position (GRCh38, 1-based): chr7:78,019,409, C>A on the plus strand (G>T on the coding strand, the complement: MAGI2 is on the minus strand). VCF-style: chr7-78019409-C-A. GRCh37 (hg19) VCF-style: chr7-77648726-C-A.
Other names: c.4232G>T, p.Arg1411Leu (NM_001301128.2); c.4274G>T (NM_012301.3); short protein forms R1425L, R1411L.
Identifiers: ClinVar variation 1468623 (VCV001468623.7), dbSNP rs1053239653, ClinGen allele CA367844625.
Genomic context (GRCh38, chr7:78,019,409, plus strand): 5'-ACGCTGGGCAGCTTGTCAGAACCCGGCACCTTCCAGGGCCCCGGCGCGACGGCGGCCTTG[C>A]GCGCCGGGGCGCCCCCCGGGGGTCGCGGGCCCGGCCGGGGACCCGCGCGCGCACCCGCCC-3'
Protein context (NP_036433.2, residues 1415-1435): GPRPPGGAPA[Arg1425Leu]KAAVAPGPWK